The following is an entry in ClinVar:

ClinVar aggregate classification (germline): Uncertain significance. Review status: criteria provided, multiple submitters, no conflicts (2 of 4 stars). 3 submissions from 3 submitters: Uncertain significance (3). Last evaluated 2026-03-02.

Conditions:
Cardiovascular phenotype. Identifiers: MedGen CN230736.
Hypertrophic cardiomyopathy. Also called: HYPERTROPHIC MYOCARDIOPATHY. Identifiers: Orphanet 217569, MedGen C0007194, MeSH D002312, MONDO:0005045, HP:0001639.

Submissions (3):

Ambry Genetics
Classification: Uncertain significance for Cardiovascular phenotype. Last evaluated: 2026-03-02. Review status: criteria provided, single submitter. Criteria: Ambry Variant Classification Scheme 2023. Collection method: clinical testing. Allele origin: germline.
Comment: The p.Y501H variant (also known as c.1501T>C), located in coding exon 13 of the MYH7 gene, results from a T to C substitution at nucleotide position 1501. The tyrosine at codon 501 is replaced by histidine, an amino acid with similar properties. This variant is located in the myosin head domain, which contains a statistically significant clustering of pathogenic missense variants (Homburger JR et al. Proc Natl Acad Sci U S A, 2016 06;113:6701-6; Walsh R et al. Genet Med, 2017 02;19:192-203; Ambry internal data). This amino acid position is highly conserved in available vertebrate species. In addition, this alteration is predicted to be deleterious by in silico analysis. Based on the available evidence, the clinical significance of this variant remains unclear.

Labcorp Genetics (formerly Invitae), Labcorp
Classification: Uncertain significance for Hypertrophic cardiomyopathy. Last evaluated: 2025-05-08. Review status: criteria provided, single submitter. Criteria: Invitae Variant Classification Sherloc (09022015). Collection method: clinical testing. Allele origin: germline.
Comment: This sequence change replaces tyrosine, which is neutral and polar, with histidine, which is basic and polar, at codon 501 of the MYH7 protein (p.Tyr501His). This variant is not present in population databases (gnomAD no frequency). This variant has not been reported in the literature in individuals affected with MYH7-related conditions. ClinVar contains an entry for this variant (Variation ID: 1774030). Invitae Evidence Modeling of protein sequence and biophysical properties (such as structural, functional, and spatial information, amino acid conservation, physicochemical variation, residue mobility, and thermodynamic stability) indicates that this missense variant is expected to disrupt MYH7 protein function with a positive predictive value of 95%. In summary, the available evidence is currently insufficient to determine the role of this variant in disease. Therefore, it has been classified as a Variant of Uncertain Significance.

GeneDx
Classification: Uncertain significance. Last evaluated: 2024-10-03. Review status: criteria provided, single submitter. Criteria: GeneDx Variant Classification Process June 2021. Collection method: clinical testing. Allele origin: germline. Affected: yes.
Comment: Has not been previously published as pathogenic or benign to our knowledge; Not observed at significant frequency in large population cohorts (gnomAD); In silico analysis supports that this missense variant has a deleterious effect on protein structure/function; This variant is associated with the following publications: (PMID: 27532257, 29300372)

Literature cited by the submitters: PubMed 15856146 (cited by Ambry Genetics); PubMed 27318203 (cited by Ambry Genetics).

NM_000257.4(MYH7):c.1501T>C (p.Tyr501His)

Gene: MYH7 (myosin heavy chain 7; minus strand). Cytogenetic location: 14q11.2.
Variant type: single nucleotide variant.
Coding change: c.1501T>C on transcript NM_000257.4 (MANE Select); coding-DNA position 1501, T replaced by C.
Protein change: p.Tyr501His; replaces tyrosine 501 with histidine.
Molecular consequence: missense variant.
Genome position (GRCh38, 1-based): chr14:23,428,577, A>G on the plus strand (T>C on the coding strand, the complement: MYH7 is on the minus strand). VCF-style: chr14-23428577-A-G. GRCh37 (hg19) VCF-style: chr14-23897786-A-G.
Other names: c.1501T>C, p.Tyr501His (NM_001407004.1); short protein forms Y501H.
Identifiers: ClinVar variation 1774030 (VCV001774030.7), dbSNP rs1331230369, ClinGen allele CA389050456.